The following is an entry in ClinVar:

NM_005228.5(EGFR):c.2577del (p.Lys860fs)

Gene: EGFR (epidermal growth factor receptor; plus strand). Cytogenetic location: 7p11.2.
Variant type: Deletion.
Coding change: c.2577del on transcript NM_005228.5 (MANE Select); coding-DNA position 2577, one base deleted (C; older notation c.2577delC).
Protein change: p.Lys860fs; shifts the reading frame from lysine 860.
Molecular consequence: frameshift variant.
Genome position (GRCh38, 1-based): chr7:55,191,826, C deleted; the last of 2 consecutive C bases (chr7:55,191,825-55,191,826); deleting either gives the same sequence. VCF-style (leftmost placement, unchanged base first): chr7-55191824-GC-G. GRCh37 (hg19) VCF-style: chr7-55259517-GC-G.
Other names: c.2442del, p.Lys815fs (NM_001346897.2, NM_001346899.2); c.2577del, p.Lys860fs (NM_001346898.2); c.2418del, p.Lys807fs (NM_001346900.2); c.1776del, p.Lys593fs (NM_001346941.2); short protein forms K815fs, K593fs, K807fs, K860fs.
Identifiers: ClinVar variation 1043841 (VCV001043841.6), dbSNP rs1787409872, ClinGen allele CA1708922646.

ClinVar aggregate classification (germline): Pathogenic (1 of 4 stars; one submission).

Conditions:
EGFR-related lung cancer (EGFR). Identifiers: MedGen CN130014.

Submission:

Labcorp Genetics (formerly Invitae), Labcorp
Classification: Pathogenic for EGFR-related lung cancer. Last evaluated: 2025-03-21. Review status: criteria provided, single submitter. Criteria: Invitae Variant Classification Sherloc (09022015). Collection method: clinical testing. Allele origin: germline.
Comment: This sequence change creates a premature translational stop signal (p.Lys860Asnfs*43) in the EGFR gene. It is expected to result in an absent or disrupted protein product. Loss-of-function variants in EGFR are known to be pathogenic (PMID: 7630400, 28726809, 29899996). This variant is not present in population databases (gnomAD no frequency). This variant has not been reported in the literature in individuals affected with EGFR-related conditions. ClinVar contains an entry for this variant (Variation ID: 1043841). For these reasons, this variant has been classified as Pathogenic.

Literature cited by the submitters: PubMed 7630400; PubMed 28726809; PubMed 29899996.